The following is an entry in ClinVar:

NM_005751.5(AKAP9):c.9053G>A (p.Ser3018Asn)

Gene: AKAP9 (A-kinase anchoring protein 9; plus strand). Cytogenetic location: 7q21.2.
Variant type: single nucleotide variant.
Coding change: c.9053G>A on transcript NM_005751.5 (MANE Select); coding-DNA position 9053, G replaced by A.
Protein change: p.Ser3018Asn; replaces serine 3018 with asparagine.
Molecular consequence: missense variant.
Genome position (GRCh38, 1-based): chr7:92,086,256, G>A. VCF-style: chr7-92086256-G-A. GRCh37 (hg19) VCF-style: chr7-91715570-G-A.
Other names: c.3698G>A, p.Ser1233Asn (NM_001379277.1); c.9029G>A, p.Ser3010Asn (NM_147185.3); short protein forms S3010N, S3018N, S1233N.
Identifiers: ClinVar variation 843589 (VCV000843589.12), dbSNP rs1372778218, ClinGen allele CA368143421.

ClinVar aggregate classification (germline): Conflicting classifications of pathogenicity. Review status: criteria provided, conflicting classifications (1 of 4 stars). 3 submissions from 3 submitters: Uncertain significance (2); Likely benign (1). Last evaluated 2024-11-26.

Conditions:
Cardiovascular phenotype. Identifiers: MedGen CN230736.
Long QT syndrome (LQTS). Identifiers: MedGen C0023976, MeSH D008133, MONDO:0002442. Disease mechanism: loss of function. Inheritance: Various modes of inheritance.

Allele frequency attached by ClinVar (database versions not stated): gnomAD exomes 0.00001; TOPMed 0.00001.
gnomAD v4.1: 5 of 1,614,080 alleles (0.00031%); highest among the groups gnomAD compares: East Asian, 0.0022%; no homozygotes.

Submissions (3):

Blueprint Genetics
Classification: Likely benign. Last evaluated: 2024-11-26. Review status: criteria provided, single submitter. Criteria: ACMG Guidelines, 2015. Collection method: clinical testing. Allele origin: germline.

Ambry Genetics
Classification: Uncertain significance for Cardiovascular phenotype. Last evaluated: 2024-02-17. Review status: criteria provided, single submitter. Criteria: Ambry Variant Classification Scheme 2023. Collection method: clinical testing. Allele origin: germline.

Labcorp Genetics (formerly Invitae), Labcorp
Classification: Uncertain significance for Long QT syndrome. Last evaluated: 2023-09-01. Review status: criteria provided, single submitter. Criteria: Invitae Variant Classification Sherloc (09022015). Collection method: clinical testing. Allele origin: germline.
Comment: Algorithms developed to predict the effect of missense changes on protein structure and function output the following: SIFT: "Not Available"; PolyPhen-2: "Benign"; Align-GVGD: "Not Available". The asparagine amino acid residue is found in multiple mammalian species, which suggests that this missense change does not adversely affect protein function. ClinVar contains an entry for this variant (Variation ID: 843589). This variant has not been reported in the literature in individuals affected with AKAP9-related conditions. In summary, the available evidence is currently insufficient to determine the role of this variant in disease. Therefore, it has been classified as a Variant of Uncertain Significance. This sequence change replaces serine, which is neutral and polar, with asparagine, which is neutral and polar, at codon 3018 of the AKAP9 protein (p.Ser3018Asn). This variant is present in population databases (no rsID available, gnomAD 0.01%).